The following is an entry in ClinVar:

ClinVar aggregate classification (germline): Pathogenic (1 of 4 stars; one submission).

Conditions:
Duchenne muscular dystrophy (DMD). Also called: MUSCULAR DYSTROPHY, PSEUDOHYPERTROPHIC PROGRESSIVE, DUCHENNE TYPE; Duchenne Muscular Dystrophy (DMD). Identifiers: Orphanet 98896, MedGen C0013264, MONDO:0010679, OMIM 310200.

Submission:

Labcorp Genetics (formerly Invitae), Labcorp
Classification: Pathogenic for Duchenne muscular dystrophy. Last evaluated: 2023-11-06. Review status: criteria provided, single submitter. Criteria: Invitae Variant Classification Sherloc (09022015). Collection method: clinical testing. Allele origin: germline.
Comment: This variant results in a copy number gain of the genomic region encompassing exon(s) 10 of the DMD gene. While the exact position of this variant cannot be determined from the data, sub-genic copy number gains are generally in tandem (PMID: 25640679). This variant is predicted to be in-frame, and likely preserves the integrity of the reading frame. A similar copy number variant has been observed in individuals with Duchenne or Becker muscular dystrophy (PMID: 21515508, 31081998, 32358784). For these reasons, this variant has been classified as Pathogenic.

Literature cited by the submitters: PubMed 25640679; PubMed 21515508; PubMed 31081998; PubMed 32358784.

NC_000023.10:g.(?_32663061)_(32663289_?)dup

Gene: DMD (dystrophin; minus strand). Cytogenetic location: Xp21.1.
Variant type: Duplication.
Identifiers: ClinVar variation 455841 (VCV000455841.5).